The following is an entry in ClinVar:

ClinVar aggregate classification (germline): Uncertain significance. Review status: criteria provided, multiple submitters, no conflicts (2 of 4 stars). 2 submissions from 2 submitters: Uncertain significance (2). Last evaluated 2022-05-15.

Conditions:
Fanconi anemia complementation group A (FANCA). Also called: FANCA-Related Fanconi Anemia; Fanconi anemia, group A. Identifiers: Orphanet 84, MedGen C3469521, MONDO:0009215, OMIM 227650.
Fanconi anemia (FA). Also called: Fanconi's anemia. Identifiers: Orphanet 84, MedGen C0015625, MeSH D005199, MONDO:0019391.

Allele frequency attached by ClinVar (database versions not stated): gnomAD exomes below 0.00001; gnomAD 0.00001; TOPMed 0.00001.
gnomAD v4.1: 3 of 1,614,044 alleles (0.00019%); highest among the groups gnomAD compares: Non-Finnish European, 0.00025%; no homozygotes.

Submissions (2):

Labcorp Genetics (formerly Invitae), Labcorp
Classification: Uncertain significance for Fanconi anemia. Last evaluated: 2022-05-15. Review status: criteria provided, single submitter. Criteria: Invitae Variant Classification Sherloc (09022015). Collection method: clinical testing. Allele origin: germline.
Comment: This sequence change replaces glutamine, which is neutral and polar, with histidine, which is basic and polar, at codon 1366 of the FANCA protein (p.Gln1366His). This variant is present in population databases (no rsID available, gnomAD 0.0009%). This variant has not been reported in the literature in individuals affected with FANCA-related conditions. ClinVar contains an entry for this variant (Variation ID: 998185). Advanced modeling of protein sequence and biophysical properties (such as structural, functional, and spatial information, amino acid conservation, physicochemical variation, residue mobility, and thermodynamic stability) performed at Invitae indicates that this missense variant is not expected to disrupt FANCA protein function. In summary, the available evidence is currently insufficient to determine the role of this variant in disease. Therefore, it has been classified as a Variant of Uncertain Significance.

Baylor Genetics
Classification: Uncertain significance for Fanconi anemia complementation group A. Last evaluated: 2020-08-30. Review status: criteria provided, single submitter. Criteria: ACMG Guidelines, 2015. Collection method: clinical testing. Allele origin: unknown. Affected: yes. Study: CSER-TexasKidsCanSeq.
Comment: This variant was determined to be of uncertain significance according to ACMG Guidelines, 2015 [PMID:25741868].

NM_000135.4(FANCA):c.4098G>C (p.Gln1366His)

Genes: ZNF276 (zinc finger protein 276; plus strand), FANCA (FA complementation group A; minus strand). Cytogenetic location: 16q24.3.
Variant type: single nucleotide variant.
Coding change: c.4098G>C on transcript NM_000135.4 (MANE Select); coding-DNA position 4098, G replaced by C.
Protein change: p.Gln1366His; replaces glutamine 1366 with histidine.
Molecular consequence: missense variant. On other transcripts: 3 prime UTR variant (2), non-coding transcript variant (4).
Genome position (GRCh38, 1-based): chr16:89,739,202, C>G on the plus strand (G>C on the coding strand, the complement: FANCA is on the minus strand). VCF-style: chr16-89739202-C-G. GRCh37 (hg19) VCF-style: chr16-89805610-C-G.
Other names: c.4098G>C, p.Gln1366His (NM_001286167.3); c.*956C>G (NM_001113525.2, NM_152287.4); short protein forms Q1366H.
Identifiers: ClinVar variation 998185 (VCV000998185.3), dbSNP rs1041491550, ClinGen allele CA286614648.